The following is an entry in ClinVar:

ClinVar aggregate classification (germline): Uncertain significance (1 of 4 stars; one submission).

gnomAD v4.1: 7 of 1,582,644 alleles (0.00044%); highest among the groups gnomAD compares: Non-Finnish European, 0.0006%; no homozygotes.

Submission:

Labcorp Genetics (formerly Invitae), Labcorp
Classification: Uncertain significance. Last evaluated: 2022-10-19. Review status: criteria provided, single submitter. Criteria: Invitae Variant Classification Sherloc (09022015). Collection method: clinical testing. Allele origin: germline.
Comment: This sequence change replaces glutamic acid, which is acidic and polar, with lysine, which is basic and polar, at codon 157 of the FZD2 protein (p.Glu157Lys). This variant is present in population databases (no rsID available, gnomAD 0.001%). This variant has not been reported in the literature in individuals affected with FZD2-related conditions. Advanced modeling of protein sequence and biophysical properties (such as structural, functional, and spatial information, amino acid conservation, physicochemical variation, residue mobility, and thermodynamic stability) performed at Invitae indicates that this missense variant is not expected to disrupt FZD2 protein function. In summary, the available evidence is currently insufficient to determine the role of this variant in disease. Therefore, it has been classified as a Variant of Uncertain Significance.

NM_001466.4(FZD2):c.469G>A (p.Glu157Lys)

Gene: FZD2 (frizzled class receptor 2; plus strand). Cytogenetic location: 17q21.31.
Variant type: single nucleotide variant.
Coding change: c.469G>A on transcript NM_001466.4 (MANE Select); coding-DNA position 469, G replaced by A.
Protein change: p.Glu157Lys; replaces glutamic acid 157 with lysine.
Molecular consequence: missense variant.
Genome position (GRCh38, 1-based): chr17:44,558,157, G>A. VCF-style: chr17-44558157-G-A. GRCh37 (hg19) VCF-style: chr17-42635525-G-A.
Other names: short protein forms E157K.
Identifiers: ClinVar variation 1918957 (VCV001918957.5), dbSNP rs749423345, ClinGen allele CA399792524.